The following is an entry in ClinVar:

ClinVar aggregate classification (germline): Pathogenic. Review status: criteria provided, multiple submitters, no conflicts (2 of 4 stars). 2 submissions from 2 submitters: Pathogenic (2). Last evaluated 2024-05-20.

Conditions:
Hereditary cancer-predisposing syndrome. Also called: Neoplastic Syndromes, Hereditary; Tumor predisposition; Hereditary Cancer Syndrome; Hereditary neoplastic syndrome. Identifiers: Orphanet 140162, MedGen C0027672, MeSH D009386, MONDO:0015356.
Retinoblastoma (RB1). Also called: RETINOBLASTOMA, SOMATIC. Identifiers: Orphanet 790, MedGen C0035335, MeSH D012175, MONDO:0008380, OMIM 180200, HP:0009919. Disease mechanism: loss of function. Inheritance: Both sporadic and heritable forms are tested..

Submissions (2):

Genetic Diagnostic Laboratory, University of Pennsylvania School of Medicine
Classification: Pathogenic for Retinoblastoma. Last evaluated: 2024-05-20. Review status: criteria provided, single submitter. Criteria: ACMG Guidelines, 2015. Collection method: clinical testing. Allele origin: germline. Affected: yes. Observed: 1 variant allele.
Comment: Case and Pedigree Information: BILATERAL CASES:1, UNILATERAL CASES:0, TOTAL CASES:1, PEDIGREES:1. ACMG Codes Applied:PVS1, PM2

Ambry Genetics
Classification: Pathogenic for Hereditary cancer-predisposing syndrome. Last evaluated: 2017-01-09. Review status: criteria provided, single submitter. Criteria: Ambry Variant Classification Scheme 2023. Collection method: clinical testing. Allele origin: germline.
Comment: The c.1590delA pathogenic mutation, located in coding exon 17 of the RB1 gene, results from a deletion of one nucleotide at nucleotide position 1590, causing a translational frameshift with a predicted alternate stop codon (p.V531*). This alteration is expected to result in loss of function by premature protein truncation or nonsense-mediated mRNA decay. As such, this alteration is interpreted as a disease-causing mutation.

NM_000321.3(RB1):c.1590del (p.Lys530_Val531insTer)

Gene: RB1 (RB transcriptional corepressor 1; plus strand). Cytogenetic location: 13q14.2.
Variant type: Deletion.
Coding change: c.1590del on transcript NM_000321.3 (MANE Select); coding-DNA position 1590, one base deleted (A; older notation c.1590delA).
Protein change: p.Lys530_Val531insTer.
Molecular consequence: frameshift variant. On other transcripts: nonsense (2).
Genome position (GRCh38, 1-based): chr13:48,381,338, A deleted; the last of 3 consecutive A bases (chr13:48,381,336-48,381,338); deleting any one gives the same sequence. VCF-style (leftmost placement, unchanged base first): chr13-48381335-CA-C. GRCh37 (hg19) VCF-style: chr13-48955471-CA-C.
Other names: c.1590delA, p.Val531Terfs (NM_001407165.1, NM_001407166.1).
Identifiers: ClinVar variation 1775913 (VCV001775913.3), dbSNP rs2542206741, ClinGen allele CA2580087608.